The following is an entry in ClinVar:

ClinVar aggregate classification (germline): Uncertain significance (1 of 4 stars; one submission).

Conditions:
Inborn genetic diseases. Identifiers: MedGen C0950123, MeSH D030342.

gnomAD v4.1: 1 of 1,613,908 alleles (0.000062%); highest among the groups gnomAD compares: Non-Finnish European, 0.000085%; no homozygotes.

Submission:

Ambry Genetics
Classification: Uncertain significance for Inborn genetic diseases. Last evaluated: 2026-01-14. Review status: criteria provided, single submitter. Criteria: Ambry Variant Classification Scheme 2023. Collection method: clinical testing. Allele origin: germline.
Comment: The p.H202R variant (also known as c.605A>G), located in coding exon 7 of the DDX41 gene, results from an A to G substitution at nucleotide position 605. The histidine at codon 202 is replaced by arginine, an amino acid with highly similar properties. This amino acid position is conserved. In addition, this alteration is predicted to be tolerated by in silico analysis. Based on the available evidence, the clinical significance of this variant remains unclear.

NM_016222.4(DDX41):c.605A>G (p.His202Arg)

Gene: DDX41 (DEAD-box helicase 41; minus strand). Cytogenetic location: 5q35.3.
Variant type: single nucleotide variant.
Coding change: c.605A>G on transcript NM_016222.4 (MANE Select); coding-DNA position 605, A replaced by G.
Protein change: p.His202Arg; replaces histidine 202 with arginine.
Molecular consequence: missense variant.
Genome position (GRCh38, 1-based): chr5:177,515,225, T>C on the plus strand (A>G on the coding strand, the complement: DDX41 is on the minus strand). VCF-style: chr5-177515225-T-C. GRCh37 (hg19) VCF-style: chr5-176942226-T-C.
Other names: c.227A>G, p.His76Arg (NM_001321732.2, NM_001321830.2); short protein forms H202R, H76R.
Identifiers: ClinVar variation 4841807 (VCV004841807.1).